The following is an entry in ClinVar:

ClinVar aggregate classification (germline): Uncertain significance (1 of 4 stars; one submission).

Conditions:
Popliteal pterygium syndrome (PPS). Identifiers: Orphanet 294963, MedGen C0265259, MONDO:0017435.
Orofacial cleft 6, susceptibility to (OFC6). Also called: CLEFT LIP WITH OR WITHOUT CLEFT PALATE, NONSYNDROMIC, 6. Identifiers: MedGen C1837213, MONDO:0012141, OMIM 608864.
Van der Woude syndrome. Identifiers: Orphanet 888, MedGen C0175697, MONDO:0019508.

Submission:

Labcorp Genetics (formerly Invitae), Labcorp
Classification: Uncertain significance for Orofacial cleft 6, susceptibility to; Van der Woude syndrome; Popliteal pterygium syndrome. Last evaluated: 2022-08-19. Review status: criteria provided, single submitter. Criteria: Invitae Variant Classification Sherloc (09022015). Collection method: clinical testing. Allele origin: germline.
Comment: This variant, c.819_820delinsCA, is a complex sequence change that results in the deletion of 2 and insertion of 2 amino acid(s) in the IRF6 protein (p.Gln273_Val274delinsHisIle). Information on the frequency of this variant in the gnomAD database is not available, as this variant may be reported differently in the database. This variant has not been reported in the literature in individuals affected with IRF6-related conditions. Experimental studies and prediction algorithms are not available or were not evaluated, and the functional significance of this variant is currently unknown. In summary, the available evidence is currently insufficient to determine the role of this variant in disease. Therefore, it has been classified as a Variant of Uncertain Significance.

NM_006147.4(IRF6):c.819_820delinsCA (p.Gln273_Val274delinsHisIle)

Gene: IRF6 (interferon regulatory factor 6; minus strand). Cytogenetic location: 1q32.2.
Variant type: Indel.
Coding change: c.819_820delinsCA on transcript NM_006147.4 (MANE Select); coding-DNA positions 819 to 820, GG replaced by CA.
Protein change: p.Gln273_Val274delinsHisIle.
Molecular consequence: missense variant.
Genome position (GRCh38, 1-based): chr1:209,790,735-209,790,736, CC replaced by TG on the plus strand (GG replaced by CA on the coding strand, the reverse complement: IRF6 is on the minus strand). VCF-style: chr1-209790735-CC-TG. GRCh37 (hg19) VCF-style: chr1-209964080-CC-TG.
Other names: c.534_535delinsCA, p.Gln178_Val179delinsHisIle (NM_001206696.2).
Identifiers: ClinVar variation 2009421 (VCV002009421.4), dbSNP rs2464670732, ClinGen allele CA2580061978.